The following is an entry in ClinVar:

ClinVar aggregate classification (germline): Likely benign. Review status: criteria provided, multiple submitters, no conflicts (2 of 4 stars). 3 submissions from 3 submitters: Likely benign (2). 1 of the submissions does not count toward it. Last evaluated 2024-10-17.

Conditions:
FRAS1-related disorder. Also called: FRAS1-related condition.

Allele frequency attached by ClinVar (database versions not stated): TOPMed 0.00018; ESP Exome Variant Server 0.00066.
gnomAD v4.1: 701 of 1,612,530 alleles (0.043%); highest among the groups gnomAD compares: Non-Finnish European, 0.056%; no homozygotes.

Submissions (3):

Blueprint Genetics
Classification: Likely benign. Last evaluated: 2024-10-17. Review status: criteria provided, single submitter. Criteria: ACMG Guidelines, 2015. Collection method: clinical testing. Allele origin: germline.

Labcorp Genetics (formerly Invitae), Labcorp
Classification: Likely benign. Last evaluated: 2024-07-01. Review status: criteria provided, single submitter. Criteria: Invitae Variant Classification Sherloc (09022015). Collection method: clinical testing. Allele origin: germline.

PreventionGenetics, part of Exact Sciences
Classification: Likely benign for FRAS1-related condition. Last evaluated: 2019-03-15. Review status: no assertion criteria provided. Collection method: clinical testing. Allele origin: germline. Not counted in ClinVar's aggregate classification.
Comment: This variant is classified as likely benign based on ACMG/AMP sequence variant interpretation guidelines (Richards et al. 2015 PMID: 25741868, with internal and published modifications).

NM_025074.7(FRAS1):c.5865C>T (p.Asn1955=)

Gene: FRAS1 (Fraser extracellular matrix complex subunit 1; plus strand). Cytogenetic location: 4q21.21.
Variant type: single nucleotide variant.
Coding change: c.5865C>T on transcript NM_025074.7 (MANE Select); coding-DNA position 5865, C replaced by T.
Protein change: p.Asn1955=; no amino-acid change (asparagine 1955 retained).
Molecular consequence: synonymous variant.
Genome position (GRCh38, 1-based): chr4:78,446,735, C>T. VCF-style: chr4-78446735-C-T. GRCh37 (hg19) VCF-style: chr4-79367889-C-T.
Identifiers: ClinVar variation 349728 (VCV000349728.20), dbSNP rs201750748, ClinGen allele CA2977649.